The following is an entry in ClinVar:

ClinVar aggregate classification (germline): Uncertain significance. Review status: criteria provided, multiple submitters, no conflicts (2 of 4 stars). 2 submissions from 2 submitters: Uncertain significance (2). Last evaluated 2025-07-15.

Allele frequency attached by ClinVar (database versions not stated): gnomAD exomes below 0.00001; TOPMed below 0.00001.
gnomAD v4.1: 2 of 1,211,663 alleles (0.00017%); highest among the groups gnomAD compares: Non-Finnish European, 0.00022%; no homozygotes.

Submissions (2):

Labcorp Genetics (formerly Invitae), Labcorp
Classification: Uncertain significance. Last evaluated: 2025-07-15. Review status: criteria provided, single submitter. Criteria: Invitae Variant Classification Sherloc (09022015). Collection method: clinical testing. Allele origin: germline.
Comment: This sequence change replaces aspartic acid, which is acidic and polar, with glutamic acid, which is acidic and polar, at codon 1452 of the HUWE1 protein (p.Asp1452Glu). This variant is not present in population databases (gnomAD no frequency). This variant has not been reported in the literature in individuals affected with HUWE1-related conditions. ClinVar contains an entry for this variant (Variation ID: 2430417). Invitae Evidence Modeling of protein sequence and biophysical properties (such as structural, functional, and spatial information, amino acid conservation, physicochemical variation, residue mobility, and thermodynamic stability) has been performed for this missense variant. However, the output from this modeling did not meet the statistical confidence thresholds required to predict the impact of this variant on HUWE1 protein function. In summary, the available evidence is currently insufficient to determine the role of this variant in disease. Therefore, it has been classified as a Variant of Uncertain Significance.

GeneDx
Classification: Uncertain significance. Last evaluated: 2023-12-01. Review status: criteria provided, single submitter. Criteria: GeneDx Variant Classification Process June 2021. Collection method: clinical testing. Allele origin: germline.
Comment: Not observed at significant frequency in large population cohorts (gnomAD); In silico analysis supports that this missense variant does not alter protein structure/function; Has not been previously published as pathogenic or benign to our knowledge

NM_031407.7(HUWE1):c.4356T>A (p.Asp1452Glu)

Gene: HUWE1 (HECT, UBA and WWE domain containing E3 ubiquitin protein ligase 1; minus strand). Cytogenetic location: Xp11.22.
Variant type: single nucleotide variant.
Coding change: c.4356T>A on transcript NM_031407.7 (MANE Select); coding-DNA position 4356, T replaced by A.
Protein change: p.Asp1452Glu; replaces aspartic acid 1452 with glutamic acid.
Molecular consequence: missense variant.
Genome position (GRCh38, 1-based): chrX:53,589,652, A>T on the plus strand (T>A on the coding strand, the complement: HUWE1 is on the minus strand). VCF-style: chrX-53589652-A-T. GRCh37 (hg19) VCF-style: chrX-53616612-A-T.
Other names: short protein forms D1452E.
Identifiers: ClinVar variation 2430417 (VCV002430417.3), dbSNP rs1819780756, ClinGen allele CA413176502.